The following is an entry in ClinVar:

ClinVar aggregate classification (germline): Uncertain significance (1 of 4 stars; one submission).

Submission:

Ambry Genetics
Classification: Uncertain significance. Last evaluated: 2025-08-12. Review status: criteria provided, single submitter. Criteria: Ambry Variant Classification Scheme 2023. Collection method: clinical testing. Allele origin: germline.
Comment: The p.I845M variant (also known as c.2535A>G), located in coding exon 13 of the GEN1 gene, results from an A to G substitution at nucleotide position 2535. The isoleucine at codon 845 is replaced by methionine, an amino acid with highly similar properties. This amino acid position is conserved. In addition, this alteration is predicted to be tolerated by in silico analysis. Based on the available evidence, the clinical significance of this variant remains unclear.

NM_001130009.3(GEN1):c.2535A>G (p.Ile845Met)

Gene: GEN1 (GEN1 Holliday junction 5' flap endonuclease; plus strand). Cytogenetic location: 2p24.2.
Variant type: single nucleotide variant.
Coding change: c.2535A>G on transcript NM_001130009.3 (MANE Select); coding-DNA position 2535, A replaced by G.
Protein change: p.Ile845Met; replaces isoleucine 845 with methionine.
Molecular consequence: missense variant.
Genome position (GRCh38, 1-based): chr2:17,781,747, A>G. VCF-style: chr2-17781747-A-G. GRCh37 (hg19) VCF-style: chr2-17963014-A-G.
Other names: c.2535A>G, p.Ile845Met (NM_182625.5); short protein forms I845M.
Identifiers: ClinVar variation 4263076 (VCV004263076.1).